The following is an entry in ClinVar:

ClinVar aggregate classification (germline): Pathogenic (1 of 4 stars; one submission).

Conditions:
Asphyxiating thoracic dystrophy 3. Also called: SHORT-RIB THORACIC DYSPLASIA 3 WITH OR WITHOUT POLYDACTYLY; POLYDACTYLY WITH NEONATAL CHONDRODYSTROPHY, TYPE I; Short rib polydactyly syndrome 2B; Saldino-Noonan Syndrome; SHORT-RIB THORACIC DYSPLASIA 3/6 WITH POLYDACTYLY, DIGENIC. Identifiers: Orphanet 474, Orphanet 93269, Orphanet 93270, Orphanet 93271, MedGen C0036069, MONDO:0013127, OMIM 613091.

gnomAD v4.1: 2 of 1,599,488 alleles (0.00013%); highest among the groups gnomAD compares: Non-Finnish European, 0.00017%; no homozygotes.

Submission:

Juno Genomics, Hangzhou Juno Genomics, Inc
Classification: Pathogenic for Asphyxiating thoracic dystrophy 3. Review status: criteria provided, single submitter. Criteria: ACMG Guidelines, 2015. Collection method: clinical testing. Allele origin: germline. Affected: yes.
Comment: Absent from controls (or at extremely low frequency if recessive) in Genome Aggregation Database, Exome Sequencing Project, 1000 Genomes Project, or Exome Aggregation Consortium.;Null variant in a gene where loss of function (LOF) is a known mechanism of disease.;For recessive disorders, detected in trans with a pathogenic variant.

NM_001377.3(DYNC2H1):c.5875-1G>A

Gene: DYNC2H1 (dynein cytoplasmic 2 heavy chain 1; plus strand). Cytogenetic location: 11q22.3.
Variant type: single nucleotide variant.
Coding change: c.5875-1G>A on transcript NM_001377.3 (MANE Select); the canonical splice acceptor site of the intron before coding-DNA position 5875, G replaced by A.
Molecular consequence: splice acceptor variant.
Genome position (GRCh38, 1-based): chr11:103,177,555, G>A. VCF-style: chr11-103177555-G-A. GRCh37 (hg19) VCF-style: chr11-103048284-G-A.
Other names: c.5875-1G>A (NM_001080463.2).
Identifiers: ClinVar variation 3764699 (VCV003764699.2).
Genomic context (GRCh38, chr11:103,177,555, plus strand): 5'-AGCAGAACTAAGTATGATTGAATATTATAAATCATATATGAACATATTTCTTTCCTACTA[G>A]ATCAAAAAGGCTTTAGAATTGTATGAACAGTTATGCCAGAGGATGGGAGTTGTTATTGTT-3'